The following is an entry in ClinVar:

NM_017739.4(POMGNT1):c.374G>A (p.Arg125Gln)

Genes: POMGNT1 (protein O-linked mannose N-acetylglucosaminyltransferase 1 (beta 1,2-); minus strand), TSPAN1 (tetraspanin 1; plus strand). Cytogenetic location: 1p34.1.
Variant type: single nucleotide variant.
Coding change: c.374G>A on transcript NM_017739.4 (MANE Select); coding-DNA position 374, G replaced by A.
Protein change: p.Arg125Gln; replaces arginine 125 with glutamine.
Molecular consequence: missense variant. On other transcripts: 5 prime UTR variant (1).
Genome position (GRCh38, 1-based): chr1:46,196,058, C>T on the plus strand (G>A on the coding strand, the complement: POMGNT1 is on the minus strand). VCF-style: chr1-46196058-C-T. GRCh37 (hg19) VCF-style: chr1-46661730-C-T.
Other names: c.374G>A (NM_017739.3); c.374G>A, p.Arg125Gln (NM_001243766.2, NM_001410783.1); c.308G>A, p.Arg103Gln (NM_001290129.3); c.-56G>A (NM_001290130.2); short protein forms R103Q, R125Q.
Identifiers: ClinVar variation 2037066 (VCV002037066.2), dbSNP rs764734701, ClinGen allele CA833758.

ClinVar aggregate classification (germline): Uncertain significance. Review status: criteria provided, multiple submitters, no conflicts (2 of 4 stars). 2 submissions from 2 submitters: Uncertain significance (2). Last evaluated 2025-06-16.

Conditions:
Autosomal recessive limb-girdle muscular dystrophy type 2O. Also called: Limb-Girdle Muscular Dystrophy Type 3C; MUSCULAR DYSTROPHY-DYSTROGLYCANOPATHY (LIMB-GIRDLE), TYPE C, 3; MUSCULAR DYSTROPHY-DYSTROGLYCANOPATHY, LIMB-GIRDLE, POMGNT1-RELATED. Identifiers: Orphanet 206564, MedGen C3150417, MONDO:0013161, OMIM 613157.
Muscular dystrophy-dystroglycanopathy (congenital with impaired intellectual development), type B, 3. Also called: MUSCULAR DYSTROPHY, CONGENITAL, POMGNT1-RELATED; Muscular dystrophy-dystroglycanopathy (congenital with intellectual disability), type B3. Identifiers: MedGen C3150412, MONDO:0013155, OMIM 613151.
Inborn genetic diseases. Identifiers: MedGen C0950123, MeSH D030342.

Allele frequency attached by ClinVar (database versions not stated): gnomAD exomes 0.00001; TOPMed below 0.00001; ExAC 0.00002.
gnomAD v4.1: 15 of 1,613,960 alleles (0.00093%); highest among the groups gnomAD compares: Middle Eastern, 0.12%; no homozygotes.

Submissions (2):

Ambry Genetics
Classification: Uncertain significance for Inborn genetic diseases. Last evaluated: 2025-06-16. Review status: criteria provided, single submitter. Criteria: Ambry Variant Classification Scheme 2023. Collection method: clinical testing. Allele origin: germline.

Labcorp Genetics (formerly Invitae), Labcorp
Classification: Uncertain significance for Autosomal recessive limb-girdle muscular dystrophy type 2O; Muscular dystrophy-dystroglycanopathy (congenital with impaired intellectual development), type B, 3. Last evaluated: 2022-06-14. Review status: criteria provided, single submitter. Criteria: Invitae Variant Classification Sherloc (09022015). Collection method: clinical testing. Allele origin: germline.
Comment: This sequence change replaces arginine, which is basic and polar, with glutamine, which is neutral and polar, at codon 125 of the POMGNT1 protein (p.Arg125Gln). This variant is present in population databases (rs764734701, gnomAD 0.002%). This variant has not been reported in the literature in individuals affected with POMGNT1-related conditions. Advanced modeling of protein sequence and biophysical properties (such as structural, functional, and spatial information, amino acid conservation, physicochemical variation, residue mobility, and thermodynamic stability) performed at Invitae indicates that this missense variant is not expected to disrupt POMGNT1 protein function. In summary, the available evidence is currently insufficient to determine the role of this variant in disease. Therefore, it has been classified as a Variant of Uncertain Significance.